The following is an entry in ClinVar:

ClinVar aggregate classification (germline): Likely pathogenic (1 of 4 stars; one submission).

Conditions:
Usher syndrome type 1C. Also called: USHER SYNDROME, TYPE I, ACADIAN VARIETY. Identifiers: Orphanet 231169, Orphanet 886, MedGen C1848604, MONDO:0010171, OMIM 276904.

Submission:

Myriad Genetics, Inc.
Classification: Likely pathogenic for Usher syndrome type 1C. Last evaluated: 2022-02-17. Review status: criteria provided, single submitter. Criteria: Myriad Women's Health Autosomal Recessive and X-Linked Classification Criteria (2021). Collection method: clinical testing. Allele origin: unknown.
Comment: NM_005709.3(USH1C):c.1375A>T(K459*) is expected to be pathogenic in the context of USH1C-related disorders. This variant is predicted to lead to an abnormal or absent protein product due to the creation of a premature termination codon in USH1C, a gene where loss-of-function variants are known to be pathogenic. Please note: this variant was assessed in the context of healthy population screening.

NM_153676.4(USH1C):c.2275A>T (p.Lys759Ter)

Gene: USH1C (USH1 protein network component harmonin; minus strand). Cytogenetic location: 11p15.1.
Variant type: single nucleotide variant.
Coding change: c.2275A>T on transcript NM_153676.4 (MANE Select); coding-DNA position 2275, A replaced by T.
Protein change: p.Lys759Ter; replaces lysine 759 with a stop codon.
Molecular consequence: nonsense. On other transcripts: non-coding transcript variant (1).
Genome position (GRCh38, 1-based): chr11:17,501,487, T>A on the plus strand (A>T on the coding strand, the complement: USH1C is on the minus strand). VCF-style: chr11-17501487-T-A. GRCh37 (hg19) VCF-style: chr11-17523034-T-A.
Other names: c.1318A>T, p.Lys440Ter (NM_001297764.2); c.1375A>T, p.Lys459Ter (NM_005709.4); short protein forms K440*, K459*, K759*.
Identifiers: ClinVar variation 1724490 (VCV001724490.2), dbSNP rs2497003503, ClinGen allele CA379803332.
Genomic context (GRCh38, chr11:17,501,487, plus strand): 5'-GAGGGGCAGGCACAGAGAGGGATGGCGGCCCACCGGCCTCCACATGCCCAGGTACCTTCT[T>A]GATGCGTAGGAGCCGGACATCCTTCCCCATGATCTGCTCTGGGGTGAACTAGAGAGAAAA-3'